The following is an entry in ClinVar:

NM_000039.3(APOA1):c.728T>G (p.Leu243Arg)

Gene: APOA1 (apolipoprotein A1; minus strand). Cytogenetic location: 11q23.3.
Variant type: single nucleotide variant.
Coding change: c.728T>G on transcript NM_000039.3 (MANE Select); coding-DNA position 728, T replaced by G.
Protein change: p.Leu243Arg; replaces leucine 243 with arginine.
Molecular consequence: missense variant.
Genome position (GRCh38, 1-based): chr11:116,835,884, A>C on the plus strand (T>G on the coding strand, the complement: APOA1 is on the minus strand). VCF-style: chr11-116835884-A-C. GRCh37 (hg19) VCF-style: chr11-116706600-A-C.
Other names: c.728T>G, p.Leu243Arg (NM_001318017.2, NM_001318018.2, NM_001425090.1); c.401T>G, p.Leu134Arg (NM_001318021.2, NM_001425091.1, NM_001425092.1); c.683T>G, p.Leu228Arg (NM_001425093.1); short protein forms L228R, L134R, L243R.
Identifiers: ClinVar variation 4123950 (VCV004123950.1).

ClinVar aggregate classification (germline): Uncertain significance (1 of 4 stars; one submission).

Conditions:
Cardiovascular phenotype. Identifiers: MedGen CN230736.

gnomAD v4.1: 5 of 1,613,080 alleles (0.00031%); highest among the groups gnomAD compares: Non-Finnish European, 0.00034%; no homozygotes.

Submission:

Ambry Genetics
Classification: Uncertain significance for Cardiovascular phenotype. Last evaluated: 2025-06-20. Review status: criteria provided, single submitter. Criteria: Ambry Variant Classification Scheme 2023. Collection method: clinical testing. Allele origin: germline.
Comment: The p.L243R variant (also known as c.728T>G), located in coding exon 3 of the APOA1 gene, results from a T to G substitution at nucleotide position 728. The leucine at codon 243 is replaced by arginine, an amino acid with dissimilar properties. This amino acid position is conserved. In addition, this alteration is predicted to be tolerated by in silico analysis. Based on the available evidence, the clinical significance of this variant remains unclear.